The following is an entry in ClinVar:

NM_001267550.2(TTN):c.72052_72055dup (p.Thr24019fs)

Genes: TTN-AS1 (TTN antisense RNA 1; plus strand), TTN (titin; minus strand). Cytogenetic location: 2q31.2.
Variant type: Duplication.
Coding change: c.72052_72055dup on transcript NM_001267550.2 (MANE Select); coding-DNA positions 72052 to 72055, 4 bases duplicated (ATCA; older notation c.72052_72055dupATCA).
Protein change: p.Thr24019fs; shifts the reading frame from threonine 24019.
Molecular consequence: frameshift variant.
Genome position (GRCh38, 1-based): chr2:178,574,077-178,574,080, TGAT duplicated on the plus strand (ATCA on the coding strand, the reverse complement: TTN is on the minus strand). VCF-style (leftmost placement, unchanged base first): chr2-178574076-G-GTGAT. GRCh37 (hg19) VCF-style: chr2-179438803-G-GTGAT.
Other names: c.67129_67132dup, p.Thr22378fs (NM_001256850.1); c.44857_44860dup, p.Thr14954fs (NM_003319.4); c.64348_64351dup, p.Thr21451fs (NM_133378.4); c.45232_45235dup, p.Thr15079fs (NM_133432.3); c.45433_45436dup, p.Thr15146fs (NM_133437.4); short protein forms T22378fs, T14954fs, T15079fs, T21451fs, T15146fs, T24019fs.
Identifiers: ClinVar variation 4786040 (VCV004786040.1).

ClinVar aggregate classification (germline): Likely pathogenic (1 of 4 stars; one submission).

Conditions:
Autosomal recessive limb-girdle muscular dystrophy type 2J (LGMDR10). Also called: Limb-girdle muscular dystrophy, type 2J; MUSCULAR DYSTROPHY, LIMB-GIRDLE, AUTOSOMAL RECESSIVE 10. Identifiers: Orphanet 140922, MedGen C1837342, MONDO:0012127, OMIM 608807.
Dilated cardiomyopathy 1G (CMD1G). Identifiers: Orphanet 154, MedGen C1858763, MONDO:0011400, OMIM 604145.

Submission:

Labcorp Genetics (formerly Invitae), Labcorp
Classification: Likely pathogenic for Dilated cardiomyopathy 1G; Autosomal recessive limb-girdle muscular dystrophy type 2J. Last evaluated: 2025-09-03. Review status: criteria provided, single submitter. Criteria: Invitae Variant Classification Sherloc (09022015). Collection method: clinical testing. Allele origin: germline.
Comment: This sequence change creates a premature translational stop signal (p.Thr24019Asnfs*6) in the TTN gene. While this is not anticipated to result in nonsense mediated decay, it is expected to create a truncated TTN protein. This variant is not present in population databases (gnomAD no frequency). This variant has not been reported in the literature in individuals affected with TTN-related conditions. This variant is located in the A band of TTN (PMID: 25589632). Truncating variants in this region are significantly overrepresented in patients affected with dilated cardiomyopathy (PMID: 25589632). Truncating variants in this region have also been reported in individuals affected with autosomal recessive centronuclear myopathy (PMID: 23975875). In summary, the currently available evidence indicates that the variant is pathogenic, but additional data are needed to prove that conclusively. Therefore, this variant has been classified as Likely Pathogenic.

Literature cited by the submitters: PubMed 25589632; PubMed 23975875.